The following is an entry in ClinVar:

NM_001369268.1(ACAN):c.1600G>A (p.Val534Ile)

Gene: ACAN (aggrecan; plus strand). Cytogenetic location: 15q26.1.
Variant type: single nucleotide variant.
Coding change: c.1600G>A on transcript NM_001369268.1 (MANE Select); coding-DNA position 1600, G replaced by A.
Protein change: p.Val534Ile; replaces valine 534 with isoleucine.
Molecular consequence: missense variant.
Genome position (GRCh38, 1-based): chr15:88,847,413, G>A. VCF-style: chr15-88847413-G-A. GRCh37 (hg19) VCF-style: chr15-89390644-G-A.
Other names: c.1600G>A, p.Val534Ile (NM_001135.4, NM_001411096.1, NM_001411097.1 and 1 more transcripts); c.1600G>A (NM_013227.3); short protein forms V534I.
Identifiers: ClinVar variation 2148258 (VCV002148258.5), dbSNP rs764074781, ClinGen allele CA7719603.
Genomic context (GRCh38, chr15:88,847,413, plus strand): 5'-CAGGCCGCCTACGAAGCAGGCTATGAGCAGTGTGACGCCGGCTGGCTGCGGGACCAGACC[G>A]TCAGGTGAAGCCATGCTCCTCGCCCAGCCCAAACCCAATTGAAGAGGTCAGGCTTAAGGA-3'
Protein context (NP_001356197.1, residues 524-544): CDAGWLRDQT[Val534Ile]RYPIVSPRTP

ClinVar aggregate classification (germline): Uncertain significance. Review status: criteria provided, multiple submitters, no conflicts (2 of 4 stars). 2 submissions from 2 submitters: Uncertain significance (2). Last evaluated 2025-07-27.

Conditions:
Inborn genetic diseases. Identifiers: MedGen C0950123, MeSH D030342.

Allele frequency attached by ClinVar (database versions not stated): TOPMed 0.00003; gnomAD exomes 0.00004; ExAC 0.00009; 1000 Genomes Project 30x 0.00016.
gnomAD v4.1: 64 of 1,571,262 alleles (0.0041%); highest among the groups gnomAD compares: Non-Finnish European, 0.0052%; no homozygotes.

Submissions (2):

Labcorp Genetics (formerly Invitae), Labcorp
Classification: Uncertain significance. Last evaluated: 2025-07-27. Review status: criteria provided, single submitter. Criteria: Invitae Variant Classification Sherloc (09022015). Collection method: clinical testing. Allele origin: germline.
Comment: This sequence change replaces valine, which is neutral and non-polar, with isoleucine, which is neutral and non-polar, at codon 534 of the ACAN protein (p.Val534Ile). The frequency data for this variant in the population databases is considered unreliable, as metrics indicate poor data quality at this position in the gnomAD database. This variant has not been reported in the literature in individuals affected with ACAN-related conditions. ClinVar contains an entry for this variant (Variation ID: 2148258). Invitae Evidence Modeling of protein sequence and biophysical properties (such as structural, functional, and spatial information, amino acid conservation, physicochemical variation, residue mobility, and thermodynamic stability) indicates that this missense variant is not expected to disrupt ACAN protein function with a negative predictive value of 80%. In summary, the available evidence is currently insufficient to determine the role of this variant in disease. Therefore, it has been classified as a Variant of Uncertain Significance.

Ambry Genetics
Classification: Uncertain significance for Inborn genetic diseases. Last evaluated: 2025-03-05. Review status: criteria provided, single submitter. Criteria: Ambry Variant Classification Scheme 2023. Collection method: clinical testing. Allele origin: germline.